The following is an entry in ClinVar:

ClinVar aggregate classification (germline): Uncertain significance. Review status: criteria provided, multiple submitters, no conflicts (2 of 4 stars). 4 submissions from 4 submitters: Uncertain significance (4). Last evaluated 2022-09-23.

Conditions:
Congenital myotonia, autosomal recessive form. Also called: myotonia congenita, autosomal recessive; BECKER DISEASE; Becker Generalized Myotonia. Identifiers: Orphanet 614, MedGen C0751360, MONDO:0009715, OMIM 255700.
Congenital myotonia, autosomal dominant form (THD). Also called: THOMSEN DISEASE; Myotonia congenita autosomal dominant. Identifiers: Orphanet 614, MedGen C2936781, MONDO:0008055, OMIM 160800.

Allele frequency attached by ClinVar (database versions not stated): TOPMed below 0.00001; ExAC 0.00001; gnomAD 0.00001; gnomAD exomes 0.00002 and 0.00003.
gnomAD v4.1: 46 of 1,614,086 alleles (0.0028%); highest among the groups gnomAD compares: Non-Finnish European, 0.0036%; no homozygotes.

Submissions (4):

Labcorp Genetics (formerly Invitae), Labcorp
Classification: Uncertain significance for Congenital myotonia, autosomal recessive form; Congenital myotonia, autosomal dominant form. Last evaluated: 2022-09-23. Review status: criteria provided, single submitter. Criteria: Invitae Variant Classification Sherloc (09022015). Collection method: clinical testing. Allele origin: germline.
Comment: This sequence change replaces lysine, which is basic and polar, with glutamic acid, which is acidic and polar, at codon 635 of the CLCN1 protein (p.Lys635Glu). This variant is present in population databases (rs772430525, gnomAD 0.007%). This variant has not been reported in the literature in individuals affected with CLCN1-related conditions. ClinVar contains an entry for this variant (Variation ID: 451677). Advanced modeling of protein sequence and biophysical properties (such as structural, functional, and spatial information, amino acid conservation, physicochemical variation, residue mobility, and thermodynamic stability) performed at Invitae indicates that this missense variant is expected to disrupt CLCN1 protein function. In summary, the available evidence is currently insufficient to determine the role of this variant in disease. Therefore, it has been classified as a Variant of Uncertain Significance.

Revvity Omics, Revvity
Classification: Uncertain significance. Last evaluated: 2020-02-29. Review status: criteria provided, single submitter. Criteria: ACMG Guidelines, 2015. Collection method: clinical testing. Allele origin: germline.

Mayo Clinic Laboratories, Mayo Clinic
Classification: Uncertain significance for Congenital myotonia, autosomal recessive form. Last evaluated: 2017-09-21. Review status: criteria provided, single submitter. Criteria: ACMG Guidelines, 2015. Collection method: clinical testing. Allele origin: maternal.

GeneDx
Classification: Uncertain significance. Last evaluated: 2017-08-30. Review status: criteria provided, single submitter. Criteria: GeneDx Variant Classification (06012015). Collection method: clinical testing. Allele origin: germline. Affected: yes.
Comment: The K635E variant has not been published as a pathogenic variant, nor has it been reported as a benign variant to our knowledge. The K635E variant is not observed at a significant frequency in large population cohorts (Lek et al., 2016; 1000 Genomes Consortium et al., 2015; Exome Variant Server). This variant is a non-conservative amino acid substitution, which is likely to impact secondary protein structure as these residues differ in polarity, charge, size and/or other properties. This substitution occurs at a position that is conserved across species. In silico analysis predicts this variant is probably damaging to the protein structure/function.

NM_000083.3(CLCN1):c.1903A>G (p.Lys635Glu)

Gene: CLCN1 (chloride voltage-gated channel 1; plus strand). Cytogenetic location: 7q34.
Variant type: single nucleotide variant.
Coding change: c.1903A>G on transcript NM_000083.3 (MANE Select); coding-DNA position 1903, A replaced by G.
Protein change: p.Lys635Glu; replaces lysine 635 with glutamic acid.
Molecular consequence: missense variant. On other transcripts: non-coding transcript variant (1).
Genome position (GRCh38, 1-based): chr7:143,342,478, A>G. VCF-style: chr7-143342478-A-G. GRCh37 (hg19) VCF-style: chr7-143039571-A-G.
Other names: short protein forms K635E.
Identifiers: ClinVar variation 451677 (VCV000451677.13), dbSNP rs772430525, ClinGen allele CA4537508.
Genomic context (GRCh38, chr7:143,342,478, plus strand): 5'-TTTGTTTCAGCTTCTTACACATATGGGGAGTTGCGAACCCTGCTCCAGACCACCACAGTC[A>G]AGACTTTACCACTGGTTGACTCAAAAGGTCAGTGGGGAGGAAGAAGTCGACTCCAGAGCT-3'
Protein context (NP_000074.3, residues 625-645): LRTLLQTTTV[Lys635Glu]TLPLVDSKDS